The following is an entry in ClinVar:

ClinVar aggregate classification (germline): Uncertain significance. Review status: criteria provided, multiple submitters, no conflicts (2 of 4 stars). 4 submissions from 4 submitters: Uncertain significance (3). 1 of the submissions does not count toward it. Last evaluated 2020-12-28.

Conditions:
MYPN-related myopathy (CMYO24). Also called: Nemaline myopathy 11, autosomal recessive. Identifiers: MedGen C4479186, MONDO:0015023, OMIM 617336.
Cardiovascular phenotype. Identifiers: MedGen CN230736.
Dilated cardiomyopathy 1KK (CMD1KK). Identifiers: Orphanet 154, Orphanet 75249, MedGen C3714995, MONDO:0014100, OMIM 615248.

Allele frequency attached by ClinVar (database versions not stated): gnomAD exomes below 0.00001.
gnomAD v4.1: 3 of 1,613,334 alleles (0.00019%); highest among the groups gnomAD compares: Admixed American, 0.0017%; no homozygotes.

Submissions (4):

Ambry Genetics
Classification: Uncertain significance for Cardiovascular phenotype. Last evaluated: 2020-12-28. Review status: criteria provided, single submitter. Criteria: Ambry Variant Classification Scheme 2023. Collection method: clinical testing. Allele origin: germline.
Comment: The p.R1057* variant (also known as c.3169C>T), located in coding exon 15 of the MYPN gene, results from a C to T substitution at nucleotide position 3169. This changes the amino acid from an arginine to a stop codon within coding exon 15. This variant co-occurred with a second nonsense variant in MYPN in an individual with nemaline myopathy (Miyatake S et al. Am J Hum Genet, 2017 Jan;100:169-178). This alteration is expected to result in premature protein truncation or nonsense-mediated mRNA decay. However, loss of function of MYPN has not been clearly established as a mechanism of disease. Since supporting evidence is limited at this time, the clinical significance of this alteration remains unclear.

GeneDx
Classification: Uncertain significance. Last evaluated: 2020-06-23. Review status: criteria provided, single submitter. Criteria: GeneDx Variant Classification Process June 2021. Collection method: clinical testing. Allele origin: germline. Affected: yes.
Comment: This individual was compound heterozygous for a second nonsense variant in the MYPN gene (R1072X); the R1057X variant was paternally inherited and the R1072X variant was maternally inherited. Both parents had no cardiac involvement and authors suggest that haploinsufficieny of these mutations may not be sufficient to cause cardiac phenotypes (Miyatake et al., 2017).; Reported in ClinVar as a variant of uncertain significance (ClinVar Variant ID# 375567; Landrum et al., 2016); Not observed at a significant frequency in large population cohorts (Lek et al., 2016); Nonsense variant predicted to result in protein truncation or nonsense mediated decay in a gene for which loss-of-function is not a known mechanism of cardiomyopathy; This variant is associated with the following publications: (PMID: 28017374)

Fulgent Genetics
Classification: Uncertain significance for Dilated cardiomyopathy 1KK; MYPN-related myopathy. Last evaluated: 2018-10-31. Review status: criteria provided, single submitter. Criteria: ACMG Guidelines, 2015. Collection method: clinical testing. Allele origin: unknown.

OMIM
Classification: Pathogenic for CONGENITAL MYOPATHY 24. Last evaluated: 2024-07-16. Review status: no assertion criteria provided. Collection method: literature only. Allele origin: germline. Not counted in ClinVar's aggregate classification.

Literature cited by the submitters: PubMed 28017374 (cited by Ambry Genetics and OMIM).

NM_032578.4(MYPN):c.3169C>T (p.Arg1057Ter)

Gene: MYPN (myopalladin; plus strand). Cytogenetic location: 10q21.3.
Variant type: single nucleotide variant.
Coding change: c.3169C>T on transcript NM_032578.4 (MANE Select); coding-DNA position 3169, C replaced by T.
Protein change: p.Arg1057Ter; replaces arginine 1057 with a stop codon.
Molecular consequence: nonsense. On other transcripts: non-coding transcript variant (2).
Genome position (GRCh38, 1-based): chr10:68,197,362, C>T. VCF-style: chr10-68197362-C-T. GRCh37 (hg19) VCF-style: chr10-69957119-C-T.
Other names: c.3169C>T, p.Arg1057Ter (NM_001256267.2); c.2287C>T, p.Arg763Ter (NM_001256268.2); short protein forms R1057*, R763*.
Identifiers: ClinVar variation 375567 (VCV000375567.10), dbSNP rs1057519572, ClinGen allele CA16044351.
Genomic context (GRCh38, chr10:68,197,362, plus strand): 5'-TTTGTAAATTTATTTCTATGTTTAATATCTGAACATGCTTGTTGTTATAGGGGAAGATCC[C>T]GAGTGCAAGAAAGAGACAAAGAGCCCCTACAGGAACGCTTTTTCCGACCACATTTCCTGC-3'